The following is an entry in ClinVar:

NM_015103.3(PLXND1):c.3444C>T (p.Asp1148=)

Gene: PLXND1 (plexin D1; minus strand). Cytogenetic location: 3q22.1.
Variant type: single nucleotide variant.
Coding change: c.3444C>T on transcript NM_015103.3 (MANE Select); coding-DNA position 3444, C replaced by T.
Protein change: p.Asp1148=; no amino-acid change (aspartic acid 1148 retained).
Molecular consequence: synonymous variant.
Genome position (GRCh38, 1-based): chr3:129,571,196, G>A on the plus strand (C>T on the coding strand, the complement: PLXND1 is on the minus strand). VCF-style: chr3-129571196-G-A. GRCh37 (hg19) VCF-style: chr3-129290039-G-A.
Identifiers: ClinVar variation 722180 (VCV000722180.6), dbSNP rs148029269, ClinGen allele CA2608584.

ClinVar aggregate classification (germline): Benign. Review status: criteria provided, single submitter (1 of 4 stars). 2 submissions from 2 submitters: Benign (1). 1 of the submissions does not count toward it. Last evaluated 2019-12-31.

Conditions:
PLXND1-related disorder. Also called: PLXND1-related condition.

Allele frequency attached by ClinVar (database versions not stated): gnomAD 0.00004 and 0.00080; ESP Exome Variant Server 0.00008; TOPMed 0.00015; 1000 Genomes Project 30x 0.00609; 1000 Genomes Project 0.00699.
gnomAD v4.1: 2,381 of 1,614,186 alleles (0.15%); highest among the groups gnomAD compares: South Asian, 2.5%; 49 homozygotes.

Submissions (2):

Labcorp Genetics (formerly Invitae), Labcorp
Classification: Benign. Last evaluated: 2019-12-31. Review status: criteria provided, single submitter. Criteria: Invitae Variant Classification Sherloc (09022015). Collection method: clinical testing. Allele origin: germline.

PreventionGenetics, part of Exact Sciences
Classification: Benign for PLXND1-related condition. Last evaluated: 2019-06-28. Review status: no assertion criteria provided. Collection method: clinical testing. Allele origin: germline. Not counted in ClinVar's aggregate classification.
Comment: This variant is classified as benign based on ACMG/AMP sequence variant interpretation guidelines (Richards et al. 2015 PMID: 25741868, with internal and published modifications).